The following is an entry in ClinVar:

ClinVar aggregate classification (germline): Pathogenic. Review status: reviewed by expert panel (3 of 4 stars). 18 submissions from 18 submitters: Pathogenic (1). 17 of the submissions do not count toward it. Last evaluated 2016-09-08.

Conditions:
BRCA1-related cancer predisposition. Identifiers: MedGen CN377757, MONDO:0700268.
Familial cancer of breast. Also called: Hereditary breast cancer; hereditary breast carcinoma; BREAST CANCER, FAMILIAL. Identifiers: Orphanet 227535, MedGen C0346153, MONDO:0016419, OMIM 114480. Disease mechanism: loss of function.
Breast-ovarian cancer, familial, susceptibility to, 1 (BROVCA1). Also called: OVARIAN CANCER, SUSCEPTIBILITY TO; BRCA1 Hereditary Breast and Ovarian Cancer. Identifiers: Orphanet 145, MedGen C2676676, MONDO:0011450, OMIM 604370. Disease mechanism: loss of function.
Pancreatic cancer, susceptibility to, 4. Identifiers: Orphanet 1333, MedGen C3280442, MONDO:0013685, OMIM 614320.
Fanconi anemia, complementation group S (FANCS). Identifiers: MedGen C4554406, MONDO:0054748, OMIM 617883.
Hereditary cancer-predisposing syndrome. Also called: Tumor predisposition; Neoplastic Syndromes, Hereditary; Hereditary Cancer Syndrome; Hereditary neoplastic syndrome. Identifiers: Orphanet 140162, MedGen C0027672, MeSH D009386, MONDO:0015356.
Hereditary breast ovarian cancer syndrome. Also called: Hereditary breast and ovarian cancer syndrome (HBOC); Hereditary breast and ovarian cancer syndrome; Hereditary breast and ovarian cancer; Hereditary breast and/or ovarian cancer syndrome; Breast and ovarian cancer; BRCA1- and BRCA2-Associated Hereditary Breast and Ovarian Cancer. Identifiers: Orphanet 145, MedGen C0677776, MeSH D061325, MONDO:0003582. Disease mechanism: loss of function.

Allele frequency attached by ClinVar (database versions not stated): gnomAD exomes below 0.00001; ExAC 0.00001; gnomAD 0.00001; TOPMed 0.00001.
gnomAD v4.1: 2 of 1,613,858 alleles (0.00012%); highest among the groups gnomAD compares: Non-Finnish European, 0.00017%; no homozygotes.

Submissions 1 to 10 of 18:

Evidence-based Network for the Interpretation of Germline Mutant Alleles (ENIGMA)
Classification: Pathogenic for Breast-ovarian cancer, familial, susceptibility to, 1. Last evaluated: 2016-09-08. Review status: reviewed by expert panel. Criteria: ENIGMA BRCA1/2 Classification Criteria (2015). Collection method: curation. Allele origin: germline.
Comment: Variant allele predicted to encode a truncated non-functional protein.

Labcorp Genetics (formerly Invitae), Labcorp
Classification: Pathogenic for Hereditary breast ovarian cancer syndrome. Last evaluated: 2025-09-30. Review status: criteria provided, single submitter. Criteria: Invitae Variant Classification Sherloc (09022015). Collection method: clinical testing. Allele origin: germline. Not counted in ClinVar's aggregate classification.
Comment: This sequence change creates a premature translational stop signal (p.Ser713*) in the BRCA1 gene. It is expected to result in an absent or disrupted protein product. Loss-of-function variants in BRCA1 are known to be pathogenic (PMID: 20104584). This variant is present in population databases (rs80357233, gnomAD 0.007%). This premature translational stop signal has been observed in individual(s) with a personal and/or family history of breast and ovarian cancer (PMID: 11139249, 21913181, 22430266). This variant is also known as 2257C>G. ClinVar contains an entry for this variant (Variation ID: 37451). For these reasons, this variant has been classified as Pathogenic.

Ambry Genetics
Classification: Pathogenic for Hereditary cancer-predisposing syndrome. Last evaluated: 2025-05-08. Review status: criteria provided, single submitter. Criteria: Ambry Variant Classification Scheme 2023. Collection method: clinical testing. Allele origin: germline. Not counted in ClinVar's aggregate classification.
Comment: The p.S713* pathogenic mutation (also known as c.2138C>G), located in coding exon 9 of the BRCA1 gene, results from a C to G substitution at nucleotide position 2138. This changes the amino acid from a serine to a stop codon within coding exon 9. This mutation was previously identified in individuals and families with breast and/or ovarian cancer diagnoses (Vaziri SA et al. Hum. Mutat. 2001;17:74; Sun J et al. Clin. Cancer Res. 2017 Oct;23:6113-6119; Shi T et al. Int. J. Cancer 2017 05;140:2051-2059; Bhaskaran SP et al. Int. J. Cancer 2019 Jan). This alteration was also identified in a large, worldwide study of BRCA1/2 mutation positive families (Rebbeck TR et al. Hum. Mutat. 2018 05;39:593-620). Of note, this alteration is also designated as 2257C>G in published literature. In addition to the clinical data presented in the literature, this alteration is expected to result in loss of function by premature protein truncation or nonsense-mediated mRNA decay. As such, this alteration is interpreted as a disease-causing mutation.

All of Us Research Program, National Institutes of Health
Classification: Pathogenic for BRCA1-related cancer predisposition. Last evaluated: 2024-08-13. Review status: criteria provided, single submitter. Criteria: ACMG Guidelines, 2015. Collection method: clinical testing. Allele origin: germline. Inheritance: Autosomal dominant inheritance. Observed: 4 variant alleles, 4 heterozygotes. Not counted in ClinVar's aggregate classification.
Comment: This variant changes 1 nucleotide in exon 10 of the BRCA1 gene, creating a premature translation stop signal. This variant is expected to result in an absent or non-functional protein product. This variant has been reported in multiple individuals and families affected with breast and/or ovarian cancer (PMID: 11139249, 21913181, 22762150, 26845104, 28724667, 30702160, 31825140), and has been identified in 8 families among the CIMBA participants (PMID: 29446198). This variant also has been detected in a breast cancer case-control meta-analysis in 1/60466 cases and 0/53461 unaffected individuals (PMID: 33471991; Leiden Open Variation Database DB-ID BRCA1_001833). This variant has been identified in 2/282518 chromosomes in the general population by the Genome Aggregation Database (gnomAD). Loss of BRCA1 function is a known mechanism of disease. Based on the available evidence, this variant is classified as Pathogenic.

This study involves interpretation of variants in research participants for the purpose of population health screening. Participant phenotype was not available at the time of variant classification. Additional details can be found in publication PMID: 35346344, PMCID: PMC8962531

Color Diagnostics, LLC DBA Color Health
Classification: Pathogenic for Hereditary cancer-predisposing syndrome. Last evaluated: 2024-06-18. Review status: criteria provided, single submitter. Criteria: ACMG Guidelines, 2015. Collection method: clinical testing. Allele origin: germline. Not counted in ClinVar's aggregate classification.
Comment: This variant changes 1 nucleotide in exon 10 of the BRCA1 gene, creating a premature translation stop signal. This variant is expected to result in an absent or non-functional protein product. This variant has been reported in multiple individuals and families affected with breast and/or ovarian cancer (PMID: 11139249, 21913181, 22762150, 26845104, 28724667, 30702160, 31825140), and has been identified in 8 families among the CIMBA participants (PMID: 29446198). This variant also has been detected in a breast cancer case-control meta-analysis in 1/60466 cases and 0/53461 unaffected individuals (PMID: 33471991; Leiden Open Variation Database DB-ID BRCA1_001833). This variant has been identified in 2/282518 chromosomes in the general population by the Genome Aggregation Database (gnomAD). Loss of BRCA1 function is a known mechanism of disease. Based on the available evidence, this variant is classified as Pathogenic.

Clinical Genetics Laboratory, Skane University Hospital Lund
Classification: Pathogenic. Last evaluated: 2024-03-28. Review status: criteria provided, single submitter. Criteria: ACMG Guidelines, 2015. Collection method: clinical testing. Allele origin: germline. Affected: yes. Not counted in ClinVar's aggregate classification.

Baylor Genetics
Classification: Pathogenic for Breast-ovarian cancer, familial, susceptibility to, 1. Last evaluated: 2023-11-11. Review status: criteria provided, single submitter. Criteria: ACMG Guidelines, 2015. Collection method: clinical testing. Allele origin: unknown. Not counted in ClinVar's aggregate classification.

GeneDx
Classification: Pathogenic. Last evaluated: 2023-10-03. Review status: criteria provided, single submitter. Criteria: GeneDx Variant Classification Process June 2021. Collection method: clinical testing. Allele origin: germline. Affected: yes. Not counted in ClinVar's aggregate classification.
Comment: Nonsense variant predicted to result in protein truncation or nonsense mediated decay in a gene for which loss of function is a known mechanism of disease; Observed in individuals with a personal or family history consistent with pathogenic variants in this gene (PMID: 11139249, 22430266, 21913181, 25722380, 27469594, 30968603); Truncating variants in this gene are considered pathogenic by a well-established clinical consortium and/or database; Not observed at significant frequency in large population cohorts (gnomAD); Also known as 2257C>G; This variant is associated with the following publications: (PMID: 25400221, 32211327, 28888541, 25525159, 15829246, 26848529, 25722380, 21913181, 22430266, 11139249, 27150160, 27469594, 30702160, 30720243, 30968603, 29625052, 26689913, 32719484, 32341426, 31825140, 29339979, 30078507, 29446198, 28176296, 28724667, 35864222, 34981296, 36451132)

Revvity Omics, Revvity
Classification: Pathogenic. Last evaluated: 2022-04-27. Review status: criteria provided, single submitter. Criteria: ACMG Guidelines, 2015. Collection method: clinical testing. Allele origin: germline. Not counted in ClinVar's aggregate classification.

Fulgent Genetics
Classification: Pathogenic for Familial cancer of breast; Breast-ovarian cancer, familial, susceptibility to, 1; Pancreatic cancer, susceptibility to, 4; Fanconi anemia, complementation group S. Last evaluated: 2022-04-03. Review status: criteria provided, single submitter. Criteria: ACMG Guidelines, 2015. Collection method: clinical testing. Allele origin: unknown. Not counted in ClinVar's aggregate classification.

NM_007294.4(BRCA1):c.2138C>G (p.Ser713Ter)

Gene: BRCA1 (BRCA1 DNA repair associated; minus strand). Cytogenetic location: 17q21.31.
Variant type: single nucleotide variant.
Coding change: c.2138C>G on transcript NM_007294.4 (MANE Select); coding-DNA position 2138, C replaced by G.
Protein change: p.Ser713Ter; replaces serine 713 with a stop codon.
Molecular consequence: nonsense. On other transcripts: intron variant (137).
Genome position (GRCh38, 1-based): chr17:43,093,393, G>C on the plus strand (C>G on the coding strand, the complement: BRCA1 is on the minus strand). VCF-style: chr17-43093393-G-C. GRCh37 (hg19) VCF-style: chr17-41245410-G-C.
Other names: p.S713*:TCA>TGA; 2257C>G; c.2138C>G, p.Ser713Ter (NM_001407617.1, NM_001407618.1, NM_001407619.1 and 30 more transcripts); c.2135C>G, p.Ser712Ter (NM_001407627.1, NM_001407628.1, NM_001407629.1 and 22 more transcripts); c.2129C>G, p.Ser710Ter (NM_001407646.1, NM_001407647.1); c.2015C>G, p.Ser672Ter (NM_001407648.1, NM_001407664.1, NM_001407665.1 and 19 more transcripts); c.2012C>G, p.Ser671Ter (NM_001407649.1, NM_001407670.1, NM_001407671.1 and 11 more transcripts); c.2060C>G, p.Ser687Ter (NM_001407653.1, NM_001407654.1, NM_001407655.1 and 4 more transcripts); and 43 more; short protein forms S713*, S666*, S624*, S417*, S545*, S586*, S601*, S643*.
Identifiers: ClinVar variation 37451 (VCV000037451.38), dbSNP rs80357233, ClinGen allele CA001436.